The following is an entry in ClinVar:

NM_199420.4(POLQ):c.1126G>A (p.Glu376Lys)

Gene: POLQ (DNA polymerase theta; minus strand). Cytogenetic location: 3q13.33.
Variant type: single nucleotide variant.
Coding change: c.1126G>A on transcript NM_199420.4 (MANE Select); coding-DNA position 1126, G replaced by A.
Protein change: p.Glu376Lys; replaces glutamic acid 376 with lysine.
Molecular consequence: missense variant.
Genome position (GRCh38, 1-based): chr3:121,522,132, C>T on the plus strand (G>A on the coding strand, the complement: POLQ is on the minus strand). VCF-style: chr3-121522132-C-T. GRCh37 (hg19) VCF-style: chr3-121240979-C-T.
Other names: short protein forms E376K.
Identifiers: ClinVar variation 2624448 (VCV002624448.2), dbSNP rs1421596807, ClinGen allele CA354122054.

ClinVar aggregate classification (germline): Uncertain significance (1 of 4 stars; one submission).

Submission:

Ambry Genetics
Classification: Uncertain significance. Last evaluated: 2023-07-13. Review status: criteria provided, single submitter. Criteria: Ambry Variant Classification Scheme 2023. Collection method: clinical testing. Allele origin: germline.
Comment: The p.E376K variant (also known as c.1126G>A), located in coding exon 8 of the POLQ gene, results from a G to A substitution at nucleotide position 1126. The glutamic acid at codon 376 is replaced by lysine, an amino acid with similar properties. This amino acid position is conserved. In addition, this alteration is predicted to be tolerated by in silico analysis. Since supporting evidence is limited at this time, the clinical significance of this alteration remains unclear.